The following is an entry in ClinVar:

NM_003072.5(SMARCA4):c.3849C>T (p.Pro1283=)

Gene: SMARCA4 (SWI/SNF related BAF chromatin remodeling complex subunit ATPase 4; plus strand). Cytogenetic location: 19p13.2.
Variant type: single nucleotide variant.
Coding change: c.3849C>T on transcript NM_003072.5 (MANE Select); coding-DNA position 3849, C replaced by T.
Protein change: p.Pro1283=; no amino-acid change (proline 1283 retained).
Molecular consequence: synonymous variant. On other transcripts: intron variant (5).
Genome position (GRCh38, 1-based): chr19:11,033,841, C>T. VCF-style: chr19-11033841-C-T. GRCh37 (hg19) VCF-style: chr19-11144517-C-T.
Other names: c.3849C>T, p.Pro1283= (NM_001128844.3, NM_001128849.3); c.3775-282C>T (NM_001128847.4, NM_001374457.1, NM_001128845.2 and 2 more transcripts).
Identifiers: ClinVar variation 757489 (VCV000757489.16), dbSNP rs1201950108, ClinGen allele CA505743768.

ClinVar aggregate classification (germline): Conflicting classifications of pathogenicity. Review status: criteria provided, conflicting classifications (1 of 4 stars). 5 submissions from 5 submitters: Uncertain significance (1); Benign (1); Likely benign (3). Last evaluated 2026-07-15.

Conditions:
Rhabdoid tumor predisposition syndrome 2 (RTPS2). Identifiers: Orphanet 231108, Orphanet 69077, MedGen C2750074, MONDO:0013224, OMIM 613325.
Hereditary cancer-predisposing syndrome. Also called: Hereditary neoplastic syndrome; Neoplastic Syndromes, Hereditary; Tumor predisposition; Hereditary Cancer Syndrome. Identifiers: Orphanet 140162, MedGen C0027672, MeSH D009386, MONDO:0015356.

Allele frequency attached by ClinVar (database versions not stated): gnomAD exomes below 0.00001.
gnomAD v4.1: 2 of 779,560 alleles (0.00026%); highest among the groups gnomAD compares: Non-Finnish European, 0.00048%; no homozygotes.

Submissions (5):

Myriad Genetics, Inc.
Classification: Benign for Rhabdoid tumor predisposition syndrome 2. Last evaluated: 2026-07-15. Review status: criteria provided, single submitter. Criteria: Myriad Autosomal Dominant, Autosomal Recessive and X-Linked Classification Criteria (2023). Collection method: clinical testing. Allele origin: unknown.
Comment: This variant is considered benign. This variant is a silent/synonymous amino acid change and it is not expected to impact splicing.

Labcorp Genetics (formerly Invitae), Labcorp
Classification: Likely benign for Rhabdoid tumor predisposition syndrome 2. Last evaluated: 2025-09-22. Review status: criteria provided, single submitter. Criteria: Invitae Variant Classification Sherloc (09022015). Collection method: clinical testing. Allele origin: germline.

Quest Diagnostics Nichols Institute San Juan Capistrano
Classification: Uncertain significance. Last evaluated: 2023-05-11. Review status: criteria provided, single submitter. Criteria: Quest Diagnostics criteria. Collection method: clinical testing. Allele origin: unknown.
Comment: To the best of our knowledge, this variant has not been reported in the published literature. It also has not been reported in large, multi-ethnic general populations. Analysis of this variant using software algorithms for the prediction of the effect of nucleotide changes on splicing yielded predictions that this variant does not affect SMARCA4 mRNA splicing . Based on the available information, we are unable to determine the clinical significance of this variant.

Sema4
Classification: Likely benign for Hereditary cancer-predisposing syndrome. Last evaluated: 2021-02-02. Review status: criteria provided, single submitter. Criteria: Sema4 Curation Guidelines. Collection method: curation. Allele origin: germline.

Ambry Genetics
Classification: Likely benign for Hereditary cancer-predisposing syndrome. Last evaluated: 2015-12-21. Review status: criteria provided, single submitter. Criteria: Ambry Variant Classification Scheme 2023. Collection method: clinical testing. Allele origin: germline.